The following is an entry in ClinVar:

ClinVar aggregate classification (germline): Pathogenic. Review status: criteria provided, multiple submitters, no conflicts (2 of 4 stars). 8 submissions from 8 submitters: Pathogenic (7). 1 of the submissions does not count toward it. Last evaluated 2025-07-14.

Conditions:
DHCR7-related disorder. Also called: DHCR7-related condition.
Smith-Lemli-Opitz syndrome (SLOS). Also called: LETHAL ACRODYSGENITAL SYNDROME; POLYDACTYLY, SEX REVERSAL, RENAL HYPOPLASIA, AND UNILOBAR LUNG; RSH SYNDROME; RUTLEDGE LETHAL MULTIPLE CONGENITAL ANOMALY SYNDROME; 7-Dehydrocholesterol reductase deficiency. Identifiers: Orphanet 818, MedGen C0175694, MONDO:0010035, OMIM 270400.

Allele frequency attached by ClinVar (database versions not stated): TOPMed 0.00001.
gnomAD v4.1: 28 of 1,613,950 alleles (0.0017%); highest among the groups gnomAD compares: African/African-American, 0.0027%; no homozygotes.

Submissions (8):

Natera, Inc.
Classification: Pathogenic for Smith-Lemli-Opitz syndrome. Last evaluated: 2025-07-14. Review status: criteria provided, single submitter. Criteria: Natera Variant Classification Schema (03/2026). Collection method: clinical testing. Allele origin: germline.
Comment: The c.461C>T variant in DHCR7 is a missense variant predicted to cause substitution of threonine to methionine at amino acid 154. This variant is rare in the general population with a frequency below the threshold expected for the associated phenotype(s). This variant has been observed in one or more individuals affected with the associated recessive disease, as either homozygous or compound heterozygous with a second variant (PMID: 33890232, 15896653). A different variant at the same position has been determined to be Pathogenic or Likely Pathogenic. Computational prediction algorithms indicate this variant is likely to affect gene or protein function. Given the available evidence, this variant is classified as Pathogenic.

Blueprint Genetics
Classification: Pathogenic for DHCR7-related disorders. Last evaluated: 2024-08-06. Review status: criteria provided, single submitter. Criteria: ACMG Guidelines, 2015. Collection method: clinical testing. Allele origin: germline. Affected: yes. Observed: 3 variant alleles.

Labcorp Genetics (formerly Invitae), Labcorp
Classification: Pathogenic for Smith-Lemli-Opitz syndrome. Last evaluated: 2024-02-19. Review status: criteria provided, single submitter. Criteria: Invitae Variant Classification Sherloc (09022015). Collection method: clinical testing. Allele origin: germline.
Comment: This sequence change replaces threonine, which is neutral and polar, with methionine, which is neutral and non-polar, at codon 154 of the DHCR7 protein (p.Thr154Met). This variant is present in population databases (rs143312232, gnomAD 0.0009%). This missense change has been observed in individual(s) with Smith-Lemli-Opitz syndrome (PMID: 10677299, 10995508, 11427181, 15896653, 18249054, 22391996). ClinVar contains an entry for this variant (Variation ID: 188923). Advanced modeling of protein sequence and biophysical properties (such as structural, functional, and spatial information, amino acid conservation, physicochemical variation, residue mobility, and thermodynamic stability) performed at Invitae indicates that this missense variant is expected to disrupt DHCR7 protein function with a positive predictive value of 95%. For these reasons, this variant has been classified as Pathogenic.

Revvity Omics, Revvity
Classification: Pathogenic for Smith-Lemli-Opitz syndrome. Last evaluated: 2023-03-27. Review status: criteria provided, single submitter. Criteria: ACMG Guidelines, 2015. Collection method: clinical testing. Allele origin: germline.

Fulgent Genetics
Classification: Pathogenic for Smith-Lemli-Opitz syndrome. Last evaluated: 2021-10-13. Review status: criteria provided, single submitter. Criteria: ACMG Guidelines, 2015. Collection method: clinical testing. Allele origin: unknown.

Women's Health and Genetics/Laboratory Corporation of America, LabCorp
Classification: Pathogenic for Smith-Lemli-Opitz syndrome. Last evaluated: 2020-09-03. Review status: criteria provided, single submitter. Criteria: LabCorp Variant Classification Summary - May 2015. Collection method: clinical testing. Allele origin: germline.
Comment: Variant summary: DHCR7 c.461C>T (p.Thr154Met) results in a non-conservative amino acid change in the encoded protein sequence. Five of five in-silico tools predict a damaging effect of the variant on protein function. The variant allele was found at a frequency of 4e-06 in 249850 control chromosomes (gnomAD). c.461C>T has been reported in the literature in multiple individuals affected with Smith-Lemli-Opitz Syndrome (Wassif_2005, Jira_2001, Krakowiak_2000, Witsch-Baumgartner_2000, Eroglu_2017). These data indicate that the variant is very likely to be associated with disease. Experimental evidence evaluating an impact on protein function demonstrated patients carrying the variant of interest along with other pathogenic variants to exhibit decreased fractional cholesterol synthesis and expression studies showed this variant results in reduced protein expression in cell line (Witsch-Baumgartner_DHCR7_AJHG_2000, Wassif_2005). One ClinVar submitter (evaluation after 2014) cites the variant as pathogenic. Based on the evidence outlined above, the variant was classified as pathogenic.

Baylor Genetics
Classification: Pathogenic for Smith-Lemli-Opitz syndrome. Review status: criteria provided, single submitter. Criteria: ACMG Guidelines, 2015. Collection method: clinical testing. Allele origin: germline.

Counsyl
Classification: Likely pathogenic for Smith-Lemli-Opitz syndrome. Last evaluated: 2014-08-20. Review status: no assertion criteria provided. Collection method: literature only. Allele origin: unknown. Inheritance: Autosomal recessive inheritance. Not counted in ClinVar's aggregate classification.

Literature cited by the submitters: PubMed 33890232 (cited by Natera, Inc.); PubMed 15896653 (cited by 4 submitters); PubMed 10677299 (cited by 3 submitters); PubMed 10995508 (cited by 3 submitters); PubMed 11427181 (cited by 3 submitters); PubMed 18249054 (cited by Labcorp Genetics (formerly Invitae), Labcorp); PubMed 22391996 (cited by Labcorp Genetics (formerly Invitae), Labcorp); PubMed 28349652 (cited by Women's Health and Genetics/Laboratory Corporation of America, LabCorp); PubMed 20556518 (cited by Counsyl); PubMed 16983147 (cited by Counsyl); PubMed 12914579 (cited by Counsyl).

NM_001360.3(DHCR7):c.461C>T (p.Thr154Met)

Gene: DHCR7 (7-dehydrocholesterol reductase; minus strand). Cytogenetic location: 11q13.4.
Variant type: single nucleotide variant.
Coding change: c.461C>T on transcript NM_001360.3 (MANE Select); coding-DNA position 461, C replaced by T.
Protein change: p.Thr154Met; replaces threonine 154 with methionine.
Molecular consequence: missense variant.
Genome position (GRCh38, 1-based): chr11:71,441,392, G>A on the plus strand (C>T on the coding strand, the complement: DHCR7 is on the minus strand). VCF-style: chr11-71441392-G-A. GRCh37 (hg19) VCF-style: chr11-71152438-G-A.
Other names: c.461C>T, p.Thr154Met (NM_001163817.2); short protein forms T154M.
Identifiers: ClinVar variation 188923 (VCV000188923.20), dbSNP rs143312232, ClinGen allele CA274131.